The following is an entry in ClinVar:

NM_000069.3(CACNA1S):c.1301T>C (p.Phe434Ser)

Gene: CACNA1S (calcium voltage-gated channel subunit alpha1 S; minus strand). Cytogenetic location: 1q32.1.
Variant type: single nucleotide variant.
Coding change: c.1301T>C on transcript NM_000069.3 (MANE Select); coding-DNA position 1301, T replaced by C.
Protein change: p.Phe434Ser; replaces phenylalanine 434 with serine.
Molecular consequence: missense variant.
Genome position (GRCh38, 1-based): chr1:201,083,254, A>G on the plus strand (T>C on the coding strand, the complement: CACNA1S is on the minus strand). VCF-style: chr1-201083254-A-G. GRCh37 (hg19) VCF-style: chr1-201052382-A-G.
Other names: short protein forms F434S.
Identifiers: ClinVar variation 294768 (VCV000294768.46), dbSNP rs146136274, ClinGen allele CA078121.

ClinVar aggregate classification (germline): Benign/Likely benign. Review status: criteria provided, multiple submitters, no conflicts (2 of 4 stars). 10 submissions from 7 submitters: Benign (7); Likely benign (3). Last evaluated 2026-08-01.

Conditions:
Malignant hyperthermia, susceptibility to, 5 (MHS5). Also called: CACNA1S-Related Malignant Hyperthermia Susceptibility. Identifiers: Orphanet 423, MedGen C1866077, MONDO:0011163, OMIM 601887.
Hypokalemic periodic paralysis, type 1. Also called: HypoPP; Hypokalemic Periodic Paralysis Type 1 (AD). Identifiers: Orphanet 681, MedGen C3714580, MONDO:0042979, OMIM 170400.
Thyrotoxic periodic paralysis, susceptibility to, 1 (TTPP1). Identifiers: Orphanet 79102, MedGen C2749982, MONDO:0008570, OMIM 188580.
Congenital myopathy 18. Also called: DIHYDROPYRIDINE RECEPTOR CONGENITAL MYOPATHY; DHPR CONGENITAL MYOPATHY; Myopathy, congenital, due to dihydropyridine receptor defect. Identifiers: MedGen C5830283, MONDO:0859514, OMIM 620246.

Allele frequency attached by ClinVar (database versions not stated): gnomAD exomes 0.00029 and 0.00068; gnomAD 0.00043 and 0.00045; TOPMed 0.00044; ExAC 0.00050; ESP Exome Variant Server 0.00062.
gnomAD v4.1: 533 of 1,614,118 alleles (0.033%); highest among the groups gnomAD compares: Admixed American, 0.0083%; 2 homozygotes.

Submissions (10):

CeGaT Center for Human Genetics Tuebingen
Classification: Likely benign. Last evaluated: 2026-08-01. Review status: criteria provided, single submitter. Criteria: CeGaT Center For Human Genetics Tuebingen Variant Classification Criteria Version 2. Collection method: clinical testing. Allele origin: germline. Affected: yes. Observed: 22 variant alleles.
Comment: CACNA1S: BS2

Labcorp Genetics (formerly Invitae), Labcorp
Classification: Benign for Hypokalemic periodic paralysis, type 1; Malignant hyperthermia, susceptibility to, 5. Last evaluated: 2026-01-28. Review status: criteria provided, single submitter. Criteria: Invitae Variant Classification Sherloc (09022015). Collection method: clinical testing. Allele origin: germline.

Blueprint Genetics
Classification: Likely benign. Last evaluated: 2024-11-18. Review status: criteria provided, single submitter. Criteria: ACMG Guidelines, 2015. Collection method: clinical testing. Allele origin: germline.

Genome-Nilou Lab
Classification: Benign for Malignant hyperthermia, susceptibility to, 5. Last evaluated: 2023-04-11. Review status: criteria provided, single submitter. Criteria: ACMG Guidelines, 2015. Collection method: clinical testing. Allele origin: germline. Affected: no.

Genome-Nilou Lab
Classification: Benign for Thyrotoxic periodic paralysis, susceptibility to, 1. Last evaluated: 2023-04-11. Review status: criteria provided, single submitter. Criteria: ACMG Guidelines, 2015. Collection method: clinical testing. Allele origin: germline. Affected: no.

Genome-Nilou Lab
Classification: Benign for Congenital myopathy 18. Last evaluated: 2023-04-11. Review status: criteria provided, single submitter. Criteria: ACMG Guidelines, 2015. Collection method: clinical testing. Allele origin: germline. Affected: no.

Genome-Nilou Lab
Classification: Benign for Hypokalemic periodic paralysis, type 1. Last evaluated: 2023-04-11. Review status: criteria provided, single submitter. Criteria: ACMG Guidelines, 2015. Collection method: clinical testing. Allele origin: germline. Affected: no.

Color Diagnostics, LLC DBA Color Health
Classification: Likely benign for Malignant hyperthermia, susceptibility to, 5. Last evaluated: 2022-09-20. Review status: criteria provided, single submitter. Criteria: ACMG Guidelines, 2015. Collection method: clinical testing. Allele origin: germline.

Illumina Laboratory Services, Illumina
Classification: Benign for Hypokalemic periodic paralysis, type 1. Last evaluated: 2018-01-13. Review status: criteria provided, single submitter. Criteria: ICSL Variant Classification Criteria 13 December 2019. Collection method: clinical testing. Allele origin: germline.
Comment: This variant was observed in the ICSL laboratory as part of a predisposition screen in an ostensibly healthy population. It had not been previously curated by ICSL or reported in the Human Gene Mutation Database (HGMD: prior to June 1st, 2018), and was therefore a candidate for classification through an automated scoring system. Utilizing variant allele frequency, disease prevalence and penetrance estimates, and inheritance mode, an automated score was calculated to assess if this variant is too frequent to cause the disease. Based on the score and internal cut-off values, a variant classified as benign is not then subjected to further curation. The score for this variant resulted in a classification of benign for this disease.

Athena Diagnostics
Classification: Benign. Last evaluated: 2017-12-01. Review status: criteria provided, single submitter. Criteria: Athena Diagnostics Criteria. Collection method: clinical testing. Allele origin: germline.